The following is an entry in ClinVar:

ClinVar aggregate classification (germline): Uncertain significance (1 of 4 stars; one submission).

Conditions:
Familial thoracic aortic aneurysm and aortic dissection (TAAD). Also called: Thoracic aortic aneurysms and dissections. Identifiers: Orphanet 91387, MedGen C4707243, MONDO:0019625.

Submission:

Ambry Genetics
Classification: Uncertain significance for Familial thoracic aortic aneurysm and aortic dissection. Last evaluated: 2015-12-16. Review status: criteria provided, single submitter. Criteria: Ambry Variant Classification Scheme 2023. Collection method: clinical testing. Allele origin: germline.
Comment: The p.A1908V variant (also known as c.5723C>T), located in coding exon 31 of the NOTCH1 gene, results from a C to T substitution at nucleotide position 5723. The alanine at codon 1908 is replaced by valine, an amino acid with similar properties. This variant was not reported in population based cohorts in the following databases: Database of Single Nucleotide Polymorphisms (dbSNP), NHLBI Exome Sequencing Project (ESP), and 1000 Genomes Project. In the ESP, this variant was not observed in 6363 samples (12726 alleles) with coverage at this position. This amino acid position is highly conserved in available vertebrate species. In addition, this alteration is predicted to be tolerated by in silico analysis. Since supporting evidence is limited at this time, the clinical significance of this variant remains unclear.

NM_017617.5(NOTCH1):c.5723C>T (p.Ala1908Val)

Gene: NOTCH1 (notch receptor 1; minus strand). Cytogenetic location: 9q34.3.
Variant type: single nucleotide variant.
Coding change: c.5723C>T on transcript NM_017617.5 (MANE Select); coding-DNA position 5723, C replaced by T.
Protein change: p.Ala1908Val; replaces alanine 1908 with valine.
Molecular consequence: missense variant.
Genome position (GRCh38, 1-based): chr9:136,500,763, G>A on the plus strand (C>T on the coding strand, the complement: NOTCH1 is on the minus strand). VCF-style: chr9-136500763-G-A. GRCh37 (hg19) VCF-style: chr9-139395215-G-A.
Other names: c.5723C>T, p.Ala1908Val (LRG_1122t1); short protein forms A1908V.
Identifiers: ClinVar variation 264552 (VCV000264552.5), dbSNP rs886039188, ClinGen allele CA10587666.